The following is an entry in ClinVar:

NM_022132.5(MCCC2):c.*247C>T

Gene: MCCC2 (methylcrotonyl-CoA carboxylase subunit 2; plus strand). Cytogenetic location: 5q13.2.
Variant type: single nucleotide variant.
Coding change: c.*247C>T on transcript NM_022132.5 (MANE Select); 247 bases downstream of the stop codon, C replaced by T.
Molecular consequence: 3 prime UTR variant.
Genome position (GRCh38, 1-based): chr5:71,657,107, C>T. VCF-style: chr5-71657107-C-T. GRCh37 (hg19) VCF-style: chr5-70952934-C-T.
Other names: c.*247C>T (NM_001363147.1).
Identifiers: ClinVar variation 354106 (VCV000354106.7), dbSNP rs1135667, ClinGen allele CA10624892.

ClinVar aggregate classification (germline): Benign. Review status: criteria provided, multiple submitters, no conflicts (2 of 4 stars). 3 submissions from 3 submitters: Benign (3). Last evaluated 2018-06-29.

Conditions:
3-methylcrotonyl-CoA carboxylase 2 deficiency. Also called: METHYLCROTONYLGLYCINURIA, TYPE II; 3 alpha methylcrotonyl-CoA carboxylase 2 deficiency; 3 alpha methylcrotonylglycinuria 2; MCC 2 deficiency; Methylcrotonylglycinuria type 2. Identifiers: Orphanet 6, MedGen C1859499, MONDO:0008862, OMIM 210210.

Allele frequency attached by ClinVar (database versions not stated): TOPMed 0.77913; gnomAD 0.78164 and 0.79105; 1000 Genomes Project 30x 0.80091; 1000 Genomes Project 0.81110; gnomAD exomes 0.87426.

Submissions (3):

GeneDx
Classification: Benign. Last evaluated: 2018-06-29. Review status: criteria provided, single submitter. Criteria: GeneDx Variant Classification Process June 2021. Collection method: clinical testing. Allele origin: germline. Affected: yes.

Illumina Laboratory Services, Illumina
Classification: Benign for 3-methylcrotonyl-CoA carboxylase 2 deficiency. Last evaluated: 2018-01-13. Review status: criteria provided, single submitter. Criteria: ICSL Variant Classification Criteria 13 December 2019. Collection method: clinical testing. Allele origin: germline.
Comment: This variant was observed in the ICSL laboratory as part of a predisposition screen in an ostensibly healthy population. It had not been previously curated by ICSL or reported in the Human Gene Mutation Database (HGMD: prior to June 1st, 2018), and was therefore a candidate for classification through an automated scoring system. Utilizing variant allele frequency, disease prevalence and penetrance estimates, and inheritance mode, an automated score was calculated to assess if this variant is too frequent to cause the disease. Based on the score and internal cut-off values, a variant classified as benign is not then subjected to further curation. The score for this variant resulted in a classification of benign for this disease.

Breakthrough Genomics
Classification: Benign. Review status: criteria provided, single submitter. Criteria: ACMG Guidelines, 2015. Collection method: not provided. Allele origin: germline. Inheritance: Autosomal recessive inheritance. Affected: yes.